The following is an entry in ClinVar:

ClinVar aggregate classification (germline): Benign/Likely benign. Review status: criteria provided, multiple submitters, no conflicts (2 of 4 stars). 3 submissions from 3 submitters: Benign (1); Likely benign (2). Last evaluated 2026-07-28.

Conditions:
Hereditary cancer-predisposing syndrome. Also called: Hereditary neoplastic syndrome; Neoplastic Syndromes, Hereditary; Tumor predisposition; Hereditary Cancer Syndrome. Identifiers: Orphanet 140162, MedGen C0027672, MeSH D009386, MONDO:0015356.
Hereditary pheochromocytoma and paraganglioma. Also called: Hereditary pheochromocytoma-paraganglioma; Hereditary paragangliomas and pheochromocytomas; Hereditary Paraganglioma-Pheochromocytoma Syndromes. Identifiers: Orphanet 29072, MedGen C4274332, MONDO:0017366.

Allele frequency attached by ClinVar (database versions not stated): gnomAD exomes 0.00001; TOPMed 0.00001; gnomAD 0.00003.
gnomAD v4.1: 10 of 1,507,538 alleles (0.00066%); highest among the groups gnomAD compares: South Asian, 0.0075%; no homozygotes.

Submissions (3):

Myriad Genetics, Inc.
Classification: Benign for Hereditary pheochromocytoma and paraganglioma. Last evaluated: 2026-07-28. Review status: criteria provided, single submitter. Criteria: Myriad Autosomal Dominant, Autosomal Recessive and X-Linked Classification Criteria (2023). Collection method: clinical testing. Allele origin: unknown.
Comment: This variant is considered benign. This variant is a silent/synonymous amino acid change and it is not expected to impact splicing.

Labcorp Genetics (formerly Invitae), Labcorp
Classification: Likely benign for Hereditary pheochromocytoma and paraganglioma. Last evaluated: 2026-01-19. Review status: criteria provided, single submitter. Criteria: Invitae Variant Classification Sherloc (09022015). Collection method: clinical testing. Allele origin: germline.

Ambry Genetics
Classification: Likely benign for Hereditary cancer-predisposing syndrome. Last evaluated: 2019-10-15. Review status: criteria provided, single submitter. Criteria: Ambry Variant Classification Scheme 2023. Collection method: clinical testing. Allele origin: germline.

NM_017849.4(TMEM127):c.39C>T (p.Arg13=)

Genes: TMEM127 (transmembrane protein 127; minus strand), LOC129934333 (ATAC-STARR-seq lymphoblastoid silent region 11759; plus strand). Cytogenetic location: 2q11.2.
Variant type: single nucleotide variant.
Coding change: c.39C>T on transcript NM_017849.4 (MANE Select); coding-DNA position 39, C replaced by T.
Protein change: p.Arg13=; no amino-acid change (arginine 13 retained).
Molecular consequence: synonymous variant.
Genome position (GRCh38, 1-based): chr2:96,265,343, G>A on the plus strand (C>T on the coding strand, the complement: TMEM127 is on the minus strand). VCF-style: chr2-96265343-G-A. GRCh37 (hg19) VCF-style: chr2-96931081-G-A.
Other names: c.39C>T, p.Arg13= (NM_001193304.3).
Identifiers: ClinVar variation 771264 (VCV000771264.14), dbSNP rs1060503975, ClinGen allele CA427496487.
Genomic context (GRCh38, chr2:96,265,343, plus strand): 5'-CGAGGCCAGGCTACGCTCCGGCTGCTTGGGCAGAGCGCTGCCTCCCGGGCTCCTCCGCCG[G>A]CGCCCGCCGGGCAGCCCTGCGCCTCCGGGGGCGTACATGCCCGGGGCCGCCCGCCGTCGC-3'
Protein context (NP_060319.1, residues 3-23): APGGAGLPGG[Arg13=]RRRSPGGSAL